The following is an entry in ClinVar:

ClinVar aggregate classification (germline): Uncertain significance (1 of 4 stars; one submission).

gnomAD v4.1: 2 of 1,613,500 alleles (0.00012%); highest among the groups gnomAD compares: Non-Finnish European, 0.00017%; no homozygotes.

Submission:

Labcorp Genetics (formerly Invitae), Labcorp
Classification: Uncertain significance. Last evaluated: 2025-10-10. Review status: criteria provided, single submitter. Criteria: Invitae Variant Classification Sherloc (09022015). Collection method: clinical testing. Allele origin: germline.
Comment: This sequence change replaces arginine, which is basic and polar, with cysteine, which is neutral and slightly polar, at codon 1556 of the PLXNA2 protein (p.Arg1556Cys). This variant is present in population databases (no rsID available, gnomAD 0.0009%). This variant has not been reported in the literature in individuals affected with PLXNA2-related conditions. Invitae Evidence Modeling of protein sequence and biophysical properties (such as structural, functional, and spatial information, amino acid conservation, physicochemical variation, residue mobility, and thermodynamic stability) indicates that this missense variant is not expected to disrupt PLXNA2 protein function with a negative predictive value of 80%. In summary, the available evidence is currently insufficient to determine the role of this variant in disease. Therefore, it has been classified as a Variant of Uncertain Significance.

NM_025179.4(PLXNA2):c.4666C>T (p.Arg1556Cys)

Gene: PLXNA2 (plexin A2; minus strand). Cytogenetic location: 1q32.2.
Variant type: single nucleotide variant.
Coding change: c.4666C>T on transcript NM_025179.4 (MANE Select); coding-DNA position 4666, C replaced by T.
Protein change: p.Arg1556Cys; replaces arginine 1556 with cysteine.
Molecular consequence: missense variant.
Genome position (GRCh38, 1-based): chr1:208,038,469, G>A on the plus strand (C>T on the coding strand, the complement: PLXNA2 is on the minus strand). VCF-style: chr1-208038469-G-A. GRCh37 (hg19) VCF-style: chr1-208211814-G-A.
Other names: short protein forms R1556C.
Identifiers: ClinVar variation 4691231 (VCV004691231.1).